The following is an entry in ClinVar:

ClinVar aggregate classification (germline): Benign/Likely benign. Review status: criteria provided, multiple submitters, no conflicts (2 of 4 stars). 2 submissions from 2 submitters: Benign (1); Likely benign (1). Last evaluated 2025-12-01.

Allele frequency attached by ClinVar (database versions not stated): 1000 Genomes Project 30x 0.00016; 1000 Genomes Project 0.00020; TOPMed 0.00078; ESP Exome Variant Server 0.00115; gnomAD exomes 0.00154 and 0.00182; gnomAD 0.00171 and 0.00177; ExAC 0.00191.
gnomAD v4.1: 2,466 of 1,613,442 alleles (0.15%); highest among the groups gnomAD compares: Non-Finnish European, 0.15%; 6 homozygotes.

Submissions (2):

CeGaT Center for Human Genetics Tuebingen
Classification: Likely benign. Last evaluated: 2025-12-01. Review status: criteria provided, single submitter. Criteria: CeGaT Center For Human Genetics Tuebingen Variant Classification Criteria Version 2. Collection method: clinical testing. Allele origin: germline. Affected: yes. Observed: 3 variant alleles.
Comment: TAF4: BP4, BP7

Labcorp Genetics (formerly Invitae), Labcorp
Classification: Benign. Last evaluated: 2018-07-20. Review status: criteria provided, single submitter. Criteria: Invitae Variant Classification Sherloc (09022015). Collection method: clinical testing. Allele origin: germline.

NM_003185.4(TAF4):c.3099C>T (p.Gly1033=)

Gene: TAF4 (TATA-box binding protein associated factor 4; minus strand). Cytogenetic location: 20q13.33.
Variant type: single nucleotide variant.
Coding change: c.3099C>T on transcript NM_003185.4 (MANE Select); coding-DNA position 3099, C replaced by T.
Protein change: p.Gly1033=; no amino-acid change (glycine 1033 retained).
Molecular consequence: synonymous variant.
Genome position (GRCh38, 1-based): chr20:61,976,327, G>A on the plus strand (C>T on the coding strand, the complement: TAF4 is on the minus strand). VCF-style: chr20-61976327-G-A. GRCh37 (hg19) VCF-style: chr20-60551383-G-A.
Identifiers: ClinVar variation 730519 (VCV000730519.10), dbSNP rs150380471, ClinGen allele CA9935342.